The following is an entry in ClinVar:

ClinVar aggregate classification (germline): Pathogenic (1 of 4 stars; one submission).

Conditions:
Hermansky-Pudlak syndrome 3 (HPS3). Identifiers: Orphanet 231512, Orphanet 79430, MedGen C3888001, MONDO:0013555, OMIM 614072.

Submission:

Myriad Genetics, Inc.
Classification: Pathogenic for Hermansky-Pudlak syndrome 3. Last evaluated: 2024-05-14. Review status: criteria provided, single submitter. Criteria: Myriad Autosomal Dominant, Autosomal Recessive and X-Linked Classification Criteria (2023). Collection method: clinical testing. Allele origin: unknown.
Comment: NM_032383.3(HPS3):c.2582del1ins15(K861Tfs*18) is expected to be pathogenic in the context of Hermansky-Pudlak syndrome, HPS3-related. This variant is predicted to lead to an abnormal or absent protein product due to the creation of a premature termination codon in HPS3, a gene where loss-of-function variants are known to be pathogenic. Please note: this variant was assessed in the context of healthy population screening.

NM_032383.5(HPS3):c.2582delinsCTGTCTCTTATACAC (p.Lys861fs)

Genes: CP (ceruloplasmin; minus strand), HPS3 (HPS3 biogenesis of lysosomal organelles complex 2 subunit 1; plus strand). Cytogenetic location: 3q24.
Variant type: Indel.
Coding change: c.2582delinsCTGTCTCTTATACAC on transcript NM_032383.5 (MANE Select); coding-DNA position 2582, A replaced by CTGTCTCTTATACAC.
Protein change: p.Lys861fs; shifts the reading frame from lysine 861.
Molecular consequence: frameshift variant.
Genome position (GRCh38, 1-based): chr3:149,163,942, A replaced by CTGTCTCTTATACAC. VCF-style: chr3-149163942-A-CTGTCTCTTATACAC. GRCh37 (hg19) VCF-style: chr3-148881729-A-CTGTCTCTTATACAC.
Other names: c.2087delinsCTGTCTCTTATACAC, p.Lys696fs (NM_001308258.2); short protein forms K696fs, K861fs.
Identifiers: ClinVar variation 5010850 (VCV005010850.1).
Genomic context (GRCh38, chr3:149,163,942, plus strand): 5'-TTCACGTCGTAATATCATCTGATTCTTTAGCTGATAAAAATTATACAGAAGATCTTTCAA[A>CTGTCTCTTATACAC]ATTACAGGTAAGTAAAAATACCTCCTTTTCTTATGAAATTGCATATTACAATATAGTGTA-3'